The following is an entry in ClinVar:

NM_000601.6(HGF):c.1049G>A (p.Arg350Gln)

Gene: HGF (hepatocyte growth factor; minus strand). Cytogenetic location: 7q21.11.
Variant type: single nucleotide variant.
Coding change: c.1049G>A on transcript NM_000601.6 (MANE Select); coding-DNA position 1049, G replaced by A.
Protein change: p.Arg350Gln; replaces arginine 350 with glutamine.
Molecular consequence: missense variant.
Genome position (GRCh38, 1-based): chr7:81,726,009, C>T on the plus strand (G>A on the coding strand, the complement: HGF is on the minus strand). VCF-style: chr7-81726009-C-T. GRCh37 (hg19) VCF-style: chr7-81355325-C-T.
Other names: c.1034G>A, p.Arg345Gln (NM_001010932.3); short protein forms R350Q, R345Q.
Identifiers: ClinVar variation 2221938 (VCV002221938.6), dbSNP rs750575553, ClinGen allele CA4316989.

ClinVar aggregate classification (germline): Uncertain significance. Review status: criteria provided, multiple submitters, no conflicts (2 of 4 stars). 2 submissions from 2 submitters: Uncertain significance (2). Last evaluated 2026-03-01.

Allele frequency attached by ClinVar (database versions not stated): ExAC 0.00002; gnomAD 0.00002; TOPMed 0.00005.
gnomAD v4.1: 34 of 1,613,840 alleles (0.0021%); highest among the groups gnomAD compares: Middle Eastern, 0.033%; 1 homozygote.

Submissions (2):

CeGaT Center for Human Genetics Tuebingen
Classification: Uncertain significance. Last evaluated: 2026-03-01. Review status: criteria provided, single submitter. Criteria: CeGaT Center For Human Genetics Tuebingen Variant Classification Criteria Version 2. Collection method: clinical testing. Allele origin: germline. Affected: yes. Observed: 1 variant allele.
Comment: HGF: PM2

Ambry Genetics
Classification: Uncertain significance. Last evaluated: 2021-09-17. Review status: criteria provided, single submitter. Criteria: Ambry Variant Classification Scheme 2023. Collection method: clinical testing. Allele origin: germline.